The following is an entry in ClinVar:

NM_032043.3(BRIP1):c.1678A>C (p.Asn560His)

Gene: BRIP1 (BRCA1 interacting DNA helicase 1; minus strand). Cytogenetic location: 17q23.2.
Variant type: single nucleotide variant.
Coding change: c.1678A>C on transcript NM_032043.3 (MANE Select); coding-DNA position 1678, A replaced by C.
Protein change: p.Asn560His; replaces asparagine 560 with histidine.
Molecular consequence: missense variant.
Genome position (GRCh38, 1-based): chr17:61,780,956, T>G on the plus strand (A>C on the coding strand, the complement: BRIP1 is on the minus strand). VCF-style: chr17-61780956-T-G. GRCh37 (hg19) VCF-style: chr17-59858317-T-G.
Other names: short protein forms N560H.
Identifiers: ClinVar variation 1777828 (VCV001777828.8), dbSNP rs2145095810, ClinGen allele CA400480486.

ClinVar aggregate classification (germline): Uncertain significance. Review status: criteria provided, multiple submitters, no conflicts (2 of 4 stars). 3 submissions from 3 submitters: Uncertain significance (3). Last evaluated 2025-01-16.

Conditions:
Fanconi anemia complementation group J. Also called: BRIP1-Related Fanconi Anemia. Identifiers: Orphanet 84, MedGen C1836860, MONDO:0012187, OMIM 609054.
Familial cancer of breast. Also called: BREAST CANCER, FAMILIAL; Hereditary breast cancer; hereditary breast carcinoma. Identifiers: Orphanet 227535, MedGen C0346153, MONDO:0016419, OMIM 114480. Disease mechanism: loss of function.
Hereditary cancer-predisposing syndrome. Also called: Tumor predisposition; Neoplastic Syndromes, Hereditary; Hereditary Cancer Syndrome; Hereditary neoplastic syndrome. Identifiers: Orphanet 140162, MedGen C0027672, MeSH D009386, MONDO:0015356.

Submissions (3):

Ambry Genetics
Classification: Uncertain significance for Hereditary cancer-predisposing syndrome. Last evaluated: 2025-01-16. Review status: criteria provided, single submitter. Criteria: Ambry Variant Classification Scheme 2023. Collection method: clinical testing. Allele origin: germline.
Comment: The p.N560H variant (also known as c.1678A>C), located in coding exon 11 of the BRIP1 gene, results from an A to C substitution at nucleotide position 1678. The asparagine at codon 560 is replaced by histidine, an amino acid with similar properties. This amino acid position is conserved. In addition, this alteration is predicted to be tolerated by in silico analysis. Since supporting evidence is limited at this time, the clinical significance of this alteration remains unclear.

Labcorp Genetics (formerly Invitae), Labcorp
Classification: Uncertain significance for Familial cancer of breast; Fanconi anemia complementation group J. Last evaluated: 2022-12-10. Review status: criteria provided, single submitter. Criteria: Invitae Variant Classification Sherloc (09022015). Collection method: clinical testing. Allele origin: germline.
Comment: This sequence change replaces asparagine, which is neutral and polar, with histidine, which is basic and polar, at codon 560 of the BRIP1 protein (p.Asn560His). This variant is not present in population databases (gnomAD no frequency). This variant has not been reported in the literature in individuals affected with BRIP1-related conditions. ClinVar contains an entry for this variant (Variation ID: 1777828). Advanced modeling of protein sequence and biophysical properties (such as structural, functional, and spatial information, amino acid conservation, physicochemical variation, residue mobility, and thermodynamic stability) performed at Invitae indicates that this missense variant is not expected to disrupt BRIP1 protein function. In summary, the available evidence is currently insufficient to determine the role of this variant in disease. Therefore, it has been classified as a Variant of Uncertain Significance.

Color Diagnostics, LLC DBA Color Health
Classification: Uncertain significance for Hereditary cancer-predisposing syndrome. Last evaluated: 2022-11-07. Review status: criteria provided, single submitter. Criteria: ACMG Guidelines, 2015. Collection method: clinical testing. Allele origin: germline.
Comment: This missense variant replaces asparagine with histidine at codon 560 of the BRIP1 protein. Computational prediction suggests that this variant may not impact protein structure and function (internally defined REVEL score threshold <= 0.5, PMID: 27666373). To our knowledge, functional studies have not been reported for this variant. This variant has not been reported in individuals affected with BRIP1-related disorders in the literature. This variant has not been identified in the general population by the Genome Aggregation Database (gnomAD). The available evidence is insufficient to determine the role of this variant in disease conclusively. Therefore, this variant is classified as a Variant of Uncertain Significance.